The following is an entry in ClinVar:

ClinVar aggregate classification (germline): Uncertain significance (1 of 4 stars; one submission).

Conditions:
KMT2D-related disorder. Also called: KMT2D-Related Disorders.

Allele frequency attached by ClinVar (database versions not stated): gnomAD 0.00001; TOPMed 0.00001.
gnomAD v4.1: 45 of 1,521,586 alleles (0.003%); highest among the groups gnomAD compares: Non-Finnish European, 0.0037%; no homozygotes.

Submission:

PreventionGenetics, part of Exact Sciences
Classification: Uncertain significance for KMT2D-related condition. Last evaluated: 2026-09-07. Review status: criteria provided, single submitter. Criteria: ACMG Guidelines, 2015. Collection method: clinical testing. Allele origin: germline.
Comment: The KMT2D c.2555C>A variant is predicted to result in the amino acid substitution p.Ser852Tyr. To our knowledge, this variant has not been reported in the literature. This variant is reported in 0.0049% of alleles in individuals of European (Finnish) descent in gnomAD. At this time, the clinical significance of this variant is uncertain due to the absence of conclusive functional and genetic evidence.

NM_003482.4(KMT2D):c.2555C>A (p.Ser852Tyr)

Gene: KMT2D (lysine methyltransferase 2D; minus strand). Cytogenetic location: 12q13.12.
Variant type: single nucleotide variant.
Coding change: c.2555C>A on transcript NM_003482.4 (MANE Select); coding-DNA position 2555, C replaced by A.
Protein change: p.Ser852Tyr; replaces serine 852 with tyrosine.
Molecular consequence: missense variant.
Genome position (GRCh38, 1-based): chr12:49,051,128, G>T on the plus strand (C>A on the coding strand, the complement: KMT2D is on the minus strand). VCF-style: chr12-49051128-G-T. GRCh37 (hg19) VCF-style: chr12-49444911-G-T.
Other names: short protein forms S852Y.
Identifiers: ClinVar variation 2632558 (VCV002632558.2), dbSNP rs1390987389, ClinGen allele CA384665563.